The following is an entry in ClinVar:

ClinVar aggregate classification (germline): Uncertain significance. Review status: criteria provided, single submitter (1 of 4 stars). 3 submissions from 3 submitters: Uncertain significance (1). 2 of the submissions do not count toward it. Last evaluated 2019-11-08.

Conditions:
Long QT syndrome (LQTS). Identifiers: MedGen C0023976, MeSH D008133, MONDO:0002442. Disease mechanism: loss of function. Inheritance: Various modes of inheritance.
Long QT syndrome 9 (LQT9). Identifiers: Orphanet 101016, Orphanet 768, MedGen C2678485, MONDO:0012736, OMIM 611818.

Allele frequency attached by ClinVar (database versions not stated): gnomAD exomes below 0.00001; gnomAD 0.00001.
gnomAD v4.1: 3 of 1,614,042 alleles (0.00019%); highest among the groups gnomAD compares: African/African-American, 0.004%; no homozygotes.

Submissions (3):

Labcorp Genetics (formerly Invitae), Labcorp
Classification: Uncertain significance for Long QT syndrome. Last evaluated: 2019-11-08. Review status: criteria provided, single submitter. Criteria: Invitae Variant Classification Sherloc (09022015). Collection method: clinical testing. Allele origin: germline.
Comment: In summary, the available evidence is currently insufficient to determine the role of this variant in disease. Therefore, it has been classified as a Variant of Uncertain Significance. This sequence change replaces leucine with arginine at codon 79 of the CAV3 protein (p.Leu79Arg). The leucine residue is moderately conserved and there is a moderate physicochemical difference between leucine and arginine. This variant is not present in population databases (ExAC no frequency). This variant has been observed in individual(s) with sudden infant death syndrome (PMID: 17275750). ClinVar contains an entry for this variant (Variation ID: 8296). This variant has been reported to affect CAV3 protein function (PMID: 17275750).

Leiden Muscular Dystrophy (CAV3)
No classification provided. Last evaluated: 2012-04-15. Review status: no classification provided. Collection method: curation. Allele origin: germline. Not counted in ClinVar's aggregate classification.

OMIM
Classification: Pathogenic for LONG QT SYNDROME 9. Last evaluated: 2007-02-01. Review status: no assertion criteria provided. Collection method: literature only. Allele origin: germline. Not counted in ClinVar's aggregate classification.

Literature cited by the submitters: PubMed 17275750 (cited by Labcorp Genetics (formerly Invitae), Labcorp and OMIM); PubMed 15580566 (cited by OMIM).

NM_033337.3(CAV3):c.236T>G (p.Leu79Arg)

Genes: CAV3 (caveolin 3; plus strand), OXTR (oxytocin receptor; minus strand). Cytogenetic location: 3p25.3.
Variant type: single nucleotide variant.
Coding change: c.236T>G on transcript NM_033337.3 (MANE Select); coding-DNA position 236, T replaced by G.
Protein change: p.Leu79Arg; replaces leucine 79 with arginine.
Molecular consequence: missense variant.
Genome position (GRCh38, 1-based): chr3:8,745,647, T>G. VCF-style: chr3-8745647-T-G. GRCh37 (hg19) VCF-style: chr3-8787333-T-G.
Other names: c.236T>G, p.Leu79Arg (NM_001234.5); short protein forms L79R.
Identifiers: ClinVar variation 8296 (VCV000008296.11), dbSNP rs121909282, ClinGen allele CA215227.
Genomic context (GRCh38, chr3:8,745,647, plus strand): 5'-AGGTGAGCTACACCACCTTCACTGTCTCCAAGTACTGGTGCTACCGTCTGTTGTCCACGC[T>G]GCTGGGCGTCCCACTGGCCCTGCTCTGGGGCTTCCTGTTCGCCTGCATCTCCTTCTGCCA-3'
Protein context (NP_203123.1, residues 69-89): KYWCYRLLST[Leu79Arg]LGVPLALLWG